The following is an entry in ClinVar:

ClinVar aggregate classification (germline): Likely pathogenic. Review status: reviewed by expert panel (3 of 4 stars). 4 submissions from 4 submitters: Likely pathogenic (1). 3 of the submissions do not count toward it. Last evaluated 2026-04-29.

Conditions:
Autosomal recessive limb-girdle muscular dystrophy. Identifiers: Orphanet 102015, MedGen C2931907, MONDO:0015152.
Neuromuscular disease caused by qualitative or quantitative defects of dysferlin. Also called: Dysferlinopathy; Qualitative or quantitative defects of dysferlin. Identifiers: Orphanet 207073, MedGen C2931687, MONDO:0016145.
Miyoshi muscular dystrophy 1 (MMD1). Identifiers: Orphanet 45448, MedGen C4551973, MONDO:0024545, OMIM 254130.

Allele frequency attached by ClinVar (database versions not stated): TOPMed below 0.00001.
gnomAD v4.1: 1 of 1,614,150 alleles (0.000062%); highest among the groups gnomAD compares: African/African-American, 0.0013%; no homozygotes.

Submissions (4):

ClinGen Limb Girdle Muscular Dystrophy Variant Curation Expert Panel, ClinGen
Classification: Likely pathogenic for Autosomal recessive limb-girdle muscular dystrophy. Last evaluated: 2026-04-29. Review status: reviewed by expert panel. Criteria: ClinGen LGMD VCEP ACMG Specifications DYSF V2.0.0. Collection method: curation. Allele origin: germline. Inheritance: Autosomal recessive inheritance.
Comment: The NM_003494.4: c.5594G>A variant in DYSF which is also known as NM_001130987.2: c.5711G>A p.(Gly1904Asp), is a missense variant predicted to cause substitution of glycine to aspartic acid at amino acid 1865, p.(Gly1865Asp). This variant has been reported in at least four unrelated individuals with features consistent with LGMD (PMID: 29382405, 34559919, 32140910; ClinVar SCV003831300.3 internal data communication), including confirmed in trans with a pathogenic variant in two patients (NM_003494.4: c.2779del p.(Ala927LeufsTer21), 1.0 pt, PMID: 32140910; c.5713C>T p.(Arg1905Ter), 1.0 pt, PMID: 34559919). It was also observed in unconfirmed phase with a pathogenic variant (c.2697+1G>A, 0.5 pts, PMID: 29382405) (PM3_Strong). At least one of the individuals with this variant and a second pathogenic DYSF variant displayed progressive limb girdle muscle weakness and had a clinical suspicion or diagnosis of LGMD (PMID: 34559919; PP4). The highest minor allele frequency of this variant is 0.00001333 (1/75032 chromosomes) for the African/African-American population in gnomAD v4.1.0, which is lower than the LGMD VCEP threshold (<0.0001) (PM2_Supporting). The computational predictor REVEL gives a score of 0.905, which is above the LGMD VCEP threshold of ≥0.70, (PP3). In summary, this variant meets the criteria to be classified as Likely Pathogenic for autosomal recessive limb girdle muscular dystrophy based on the ACMG/AMP criteria applied, as specified by the ClinGen LGMD VCEP (specifications v2.0.0; 04/29/2026): PM3_Strong, PP4, PM2_Supporting, PP3.

Labcorp Genetics (formerly Invitae), Labcorp
Classification: Likely pathogenic for Neuromuscular disease caused by qualitative or quantitative defects of dysferlin. Last evaluated: 2023-09-08. Review status: criteria provided, single submitter. Criteria: Invitae Variant Classification Sherloc (09022015). Collection method: clinical testing. Allele origin: germline. Not counted in ClinVar's aggregate classification.
Comment: In summary, the currently available evidence indicates that the variant is pathogenic, but additional data are needed to prove that conclusively. Therefore, this variant has been classified as Likely Pathogenic. Advanced modeling of protein sequence and biophysical properties (such as structural, functional, and spatial information, amino acid conservation, physicochemical variation, residue mobility, and thermodynamic stability) performed at Invitae indicates that this missense variant is expected to disrupt DYSF protein function. ClinVar contains an entry for this variant (Variation ID: 617543). This variant is also known as c.5711G>A, Gly1904Asp. This missense change has been observed in individual(s) with clinical features of DYSF-related conditions and/or limb-girdle muscular dystrophy type 2B (PMID: 29382405, 32140910, 34559919). In at least one individual the data is consistent with being in trans (on the opposite chromosome) from a pathogenic variant. This variant is not present in population databases (gnomAD no frequency). This sequence change replaces glycine, which is neutral and non-polar, with aspartic acid, which is acidic and polar, at codon 1865 of the DYSF protein (p.Gly1865Asp).

Revvity Omics, Revvity
Classification: Uncertain significance. Last evaluated: 2019-07-10. Review status: criteria provided, single submitter. Criteria: ACMG Guidelines, 2015. Collection method: clinical testing. Allele origin: germline. Not counted in ClinVar's aggregate classification.

Genetic Diseases Diagnostic Center, Koc University Hospital
Classification: Likely pathogenic for Miyoshi muscular dystrophy 1. Last evaluated: 2018-12-18. Review status: criteria provided, single submitter. Criteria: ACMG Guidelines, 2015. Collection method: clinical testing. Allele origin: germline. Inheritance: Autosomal recessive inheritance. Affected: yes. Not counted in ClinVar's aggregate classification.

Literature cited by the submitters: PubMed 29382405 (cited by Labcorp Genetics (formerly Invitae), Labcorp); PubMed 32140910 (cited by Labcorp Genetics (formerly Invitae), Labcorp); PubMed 34559919 (cited by Labcorp Genetics (formerly Invitae), Labcorp).

NM_001130987.2(DYSF):c.5711G>A (p.Gly1904Asp)

Gene: DYSF (dysferlin; plus strand). Cytogenetic location: 2p13.2.
Variant type: single nucleotide variant.
Coding change: c.5711G>A on transcript NM_001130987.2 (MANE Select); coding-DNA position 5711, G replaced by A.
Protein change: p.Gly1904Asp; replaces glycine 1904 with aspartic acid.
Molecular consequence: missense variant.
Genome position (GRCh38, 1-based): chr2:71,669,673, G>A. VCF-style: chr2-71669673-G-A. GRCh37 (hg19) VCF-style: chr2-71896803-G-A.
Other names: NM_001130987.2(DYSF):c.5711G>A; p.Gly1904Asp; c.5597G>A, p.Gly1866Asp (NM_001130455.2); c.5552G>A, p.Gly1851Asp (NM_001130976.2); c.5615G>A, p.Gly1872Asp (NM_001130977.2); c.5657G>A, p.Gly1886Asp (NM_001130978.2); c.5687G>A, p.Gly1896Asp (NM_001130979.2); c.5645G>A, p.Gly1882Asp (NM_001130980.2); and 7 more; short protein forms G1865D, G1904D, G1883D, G1897D, G1851D, G1852D, G1882D, G1887D.
Identifiers: ClinVar variation 617543 (VCV000617543.9), dbSNP rs1024524968, ClinGen allele CA347223773.
Genomic context (GRCh38, chr2:71,669,673, plus strand): 5'-TTGGCTTTGAAGAACACAAGCAAAAGACAGACGTGCATTATCGTTCCCTGGGAGGTGAAG[G>A]CAACTTCAACTGGAGGTTCATTTTCCCCTTCGACTACCTGCCAGCTGAGCAAGTCTGTAC-3'
Protein context (NP_001124459.1, residues 1894-1914): DVHYRSLGGE[Gly1904Asp]NFNWRFIFPF